The following is an entry in ClinVar:

NM_182972.3(IRF2BP2):c.949C>T (p.His317Tyr)

Gene: IRF2BP2 (interferon regulatory factor 2 binding protein 2; minus strand). Cytogenetic location: 1q42.3.
Variant type: single nucleotide variant.
Coding change: c.949C>T on transcript NM_182972.3 (MANE Select); coding-DNA position 949, C replaced by T.
Protein change: p.His317Tyr; replaces histidine 317 with tyrosine.
Molecular consequence: missense variant.
Genome position (GRCh38, 1-based): chr1:234,608,546, G>A on the plus strand (C>T on the coding strand, the complement: IRF2BP2 is on the minus strand). VCF-style: chr1-234608546-G-A. GRCh37 (hg19) VCF-style: chr1-234744292-G-A.
Other names: c.949C>T, p.His317Tyr (NM_001077397.1); short protein forms H317Y.
Identifiers: ClinVar variation 2117733 (VCV002117733.4), dbSNP rs1672237839, ClinGen allele CA345307469.

ClinVar aggregate classification (germline): Uncertain significance (1 of 4 stars; one submission).

Allele frequency attached by ClinVar (database versions not stated): gnomAD exomes below 0.00001.

Submission:

Labcorp Genetics (formerly Invitae), Labcorp
Classification: Uncertain significance. Last evaluated: 2022-03-26. Review status: criteria provided, single submitter. Criteria: Invitae Variant Classification Sherloc (09022015). Collection method: clinical testing. Allele origin: germline.
Comment: This variant has not been reported in the literature in individuals affected with IRF2BP2-related conditions. This variant is not present in population databases (gnomAD no frequency). This sequence change replaces histidine, which is basic and polar, with tyrosine, which is neutral and polar, at codon 317 of the IRF2BP2 protein (p.His317Tyr). Algorithms developed to predict the effect of missense changes on protein structure and function are either unavailable or do not agree on the potential impact of this missense change (SIFT: "Tolerated"; PolyPhen-2: "Possibly Damaging"; Align-GVGD: "Class C0"). In summary, the available evidence is currently insufficient to determine the role of this variant in disease. Therefore, it has been classified as a Variant of Uncertain Significance.